The following is an entry in ClinVar:

NM_015205.3(ATP11A):c.1272G>T (p.Met424Ile)

Gene: ATP11A (ATPase phospholipid transporting 11A; plus strand). Cytogenetic location: 13q34.
Variant type: single nucleotide variant.
Coding change: c.1272G>T on transcript NM_015205.3 (MANE Select); coding-DNA position 1272, G replaced by T.
Protein change: p.Met424Ile; replaces methionine 424 with isoleucine.
Molecular consequence: missense variant.
Genome position (GRCh38, 1-based): chr13:112,831,425, G>T. VCF-style: chr13-112831425-G-T. GRCh37 (hg19) VCF-style: chr13-113485739-G-T.
Other names: c.1272G>T, p.Met424Ile (NM_001405661.1, NM_001405662.1, NM_001405663.1 and 1 more transcripts); short protein forms M424I.
Identifiers: ClinVar variation 3969322 (VCV003969322.2).

ClinVar aggregate classification (germline): Uncertain significance. Review status: criteria provided, multiple submitters, no conflicts (2 of 4 stars). 2 submissions from 2 submitters: Uncertain significance (2). Last evaluated 2026-09-20.

Conditions:
ATP11A-related disorder. Also called: ATP11A-related condition.
Inborn genetic diseases. Identifiers: MedGen C0950123, MeSH D030342.

gnomAD v4.1: 1 of 1,614,180 alleles (0.000062%); highest among the groups gnomAD compares: Admixed American, 0.0017%; no homozygotes.

Submissions (2):

PreventionGenetics, part of Exact Sciences
Classification: Uncertain significance for ATP11A-related condition. Last evaluated: 2026-09-20. Review status: criteria provided, single submitter. Criteria: ACMG Guidelines, 2015. Collection method: clinical testing. Allele origin: germline.
Comment: The ATP11A c.1272G>T variant is predicted to result in the amino acid substitution p.Met424Ile. To our knowledge, this variant has not been reported in the literature. This variant is reported in 0.0029% of alleles in individuals of Latino descent in gnomAD. At this time, the clinical significance of this variant is uncertain due to the absence of conclusive functional and genetic evidence.

Ambry Genetics
Classification: Uncertain significance for Inborn genetic diseases. Last evaluated: 2025-04-02. Review status: criteria provided, single submitter. Criteria: Ambry Variant Classification Scheme 2023. Collection method: clinical testing. Allele origin: germline.